The following is an entry in ClinVar:

ClinVar aggregate classification (germline): Uncertain significance (1 of 4 stars; one submission).

Submission:

GeneDx
Classification: Uncertain significance. Last evaluated: 2025-05-01. Review status: criteria provided, single submitter. Criteria: GeneDx Variant Classification Process June 2021. Collection method: clinical testing. Allele origin: germline. Affected: yes.
Comment: Not observed at significant frequency in large population cohorts (gnomAD); In silico analysis suggests that this missense variant does not alter protein structure/function; Has not been previously published as pathogenic or benign to our knowledge

NM_001395159.1(UNC79):c.4630G>A (p.Glu1544Lys)

Gene: UNC79 (unc-79 subunit of NALCN channel complex; plus strand). Cytogenetic location: 14q32.12.
Variant type: single nucleotide variant.
Coding change: c.4630G>A on transcript NM_001395159.1 (MANE Select); coding-DNA position 4630, G replaced by A.
Protein change: p.Glu1544Lys; replaces glutamic acid 1544 with lysine.
Molecular consequence: missense variant.
Genome position (GRCh38, 1-based): chr14:93,621,647, G>A. VCF-style: chr14-93621647-G-A. GRCh37 (hg19) VCF-style: chr14-94087993-G-A.
Other names: c.4564G>A, p.Glu1522Lys (NM_001346218.2); c.3883G>A, p.Glu1295Lys (NM_020818.5); short protein forms E1295K, E1522K, E1544K.
Identifiers: ClinVar variation 4528006 (VCV004528006.1).